The following is an entry in ClinVar:

NM_015692.5(CPAMD8):c.730G>A (p.Ala244Thr)

Gene: CPAMD8 (C3 and PZP like alpha-2-macroglobulin domain containing 8; minus strand). Cytogenetic location: 19p13.11.
Variant type: single nucleotide variant.
Coding change: c.730G>A on transcript NM_015692.5 (MANE Select); coding-DNA position 730, G replaced by A.
Protein change: p.Ala244Thr; replaces alanine 244 with threonine.
Molecular consequence: missense variant. On other transcripts: non-coding transcript variant (1).
Genome position (GRCh38, 1-based): chr19:17,002,294, C>T on the plus strand (G>A on the coding strand, the complement: CPAMD8 is on the minus strand). VCF-style: chr19-17002294-C-T. GRCh37 (hg19) VCF-style: chr19-17113104-C-T.
Other names: short protein forms A244T.
Identifiers: ClinVar variation 1311929 (VCV001311929.4), dbSNP rs202230331, ClinGen allele CA9285982.
Genomic context (GRCh38, chr19:17,002,294, plus strand): 5'-CCCAGTGTGCCCCAGGGGTCCCTCTTTCTCACCTGGCCCGCACAGTGCCTGTCTCACAGG[C>T]GTCCAGGTCTTGGATATACCGGGGCGGGTCAATCAGAAGCTCAAACTTGGGCAACACTGA-3'
Protein context (NP_056507.3, residues 234-254): DPPRYIQDLD[Ala244Thr]CETGTVRARY

ClinVar aggregate classification (germline): Uncertain significance. Review status: criteria provided, multiple submitters, no conflicts (2 of 4 stars). 2 submissions from 2 submitters: Uncertain significance (2). Last evaluated 2022-09-02.

Allele frequency attached by ClinVar (database versions not stated): 1000 Genomes Project 30x 0.00016; gnomAD exomes 0.00033 and 0.00083; gnomAD 0.00037 and 0.00038; TOPMed 0.00040; ExAC 0.00043; ESP Exome Variant Server 0.00092.

Submissions (2):

Labcorp Genetics (formerly Invitae), Labcorp
Classification: Uncertain significance. Last evaluated: 2022-09-02. Review status: criteria provided, single submitter. Criteria: Invitae Variant Classification Sherloc (09022015). Collection method: clinical testing. Allele origin: germline.
Comment: This variant has not been reported in the literature in individuals affected with CPAMD8-related conditions. This variant is present in population databases (rs202230331, gnomAD 0.06%). This sequence change replaces alanine, which is neutral and non-polar, with threonine, which is neutral and polar, at codon 291 of the CPAMD8 protein (p.Ala291Thr). ClinVar contains an entry for this variant (Variation ID: 1311929). In summary, the available evidence is currently insufficient to determine the role of this variant in disease. Therefore, it has been classified as a Variant of Uncertain Significance. Algorithms developed to predict the effect of missense changes on protein structure and function output the following: SIFT: "Tolerated"; PolyPhen-2: "Benign"; Align-GVGD: "Class C0". The threonine amino acid residue is found in multiple mammalian species, which suggests that this missense change does not adversely affect protein function.

GeneDx
Classification: Uncertain significance. Last evaluated: 2020-01-22. Review status: criteria provided, single submitter. Criteria: GeneDx Variant Classification Process June 2021. Collection method: clinical testing. Allele origin: germline. Affected: yes.
Comment: In silico analysis, which includes protein predictors and evolutionary conservation, supports that this variant does not alter protein structure/function; Has not been previously published as pathogenic or benign to our knowledge; Variants in candidate genes are classified as variants of uncertain significance in accordance with ACMG guidelines (Richards et al., 2015)